The following is an entry in ClinVar:

NM_198904.4(GABRG2):c.1217_1218del (p.Gln406fs)

Gene: GABRG2 (gamma-aminobutyric acid type A receptor subunit gamma2; plus strand). Cytogenetic location: 5q34.
Variant type: Deletion.
Coding change: c.1217_1218del on transcript NM_198904.4 (MANE Select); coding-DNA positions 1217 to 1218, 2 bases deleted (AA; older notation c.1217_1218delAA).
Protein change: p.Gln406fs; shifts the reading frame from glutamine 406.
Molecular consequence: frameshift variant. On other transcripts: 3 prime UTR variant (1).
Genome position (GRCh38, 1-based): chr5:162,153,157-162,153,158, AA deleted. VCF-style (leftmost placement, unchanged base first): chr5-162153156-CAA-C. GRCh37 (hg19) VCF-style: chr5-161580162-CAA-C.
Other names: c.1193_1194delAA (NM_000816.3); c.1193_1194del, p.Gln398fs (NM_000816.3); c.1208_1209del, p.Gln403fs (NM_001375339.1); c.*51_*52del (NM_001375340.1); c.1214_1215del, p.Gln405fs (NM_001375341.1); c.1190_1191del, p.Gln397fs (NM_001375342.1); c.1313_1314del, p.Gln438fs (NM_001375343.1); c.1256_1257del, p.Gln419fs (NM_001375344.1); and 7 more; short protein forms Q446fs, Q398fs, Q406fs, Q258fs, Q266fs, Q303fs, Q376fs, Q377fs.
Identifiers: ClinVar variation 451497 (VCV000451497.9), dbSNP rs1554101202, ClinGen allele CA658657567.

ClinVar aggregate classification (germline): Pathogenic/Likely pathogenic. Review status: criteria provided, multiple submitters, no conflicts (2 of 4 stars). 3 submissions from 3 submitters: Pathogenic (1); Likely pathogenic (2). Last evaluated 2025-01-08.

Conditions:
EPILEPSY, CHILDHOOD ABSENCE, SUSCEPTIBILITY TO, 2 (ECA2). Identifiers: Orphanet 64280, MedGen C1843244, OMIM 607681.
Febrile seizures, familial, 8 (FEB8). Also called: CONVULSIONS, FAMILIAL FEBRILE, 8. Identifiers: Orphanet 36387, MedGen C1969810, MONDO:0011891, OMIM 607681.

Allele frequency attached by ClinVar (database versions not stated): gnomAD exomes below 0.00001.

Submissions (3):

Department of Neurology, Zibo Changguo Hospital
Classification: Likely pathogenic for Febrile seizures, familial, 8. Last evaluated: 2025-01-08. Review status: criteria provided, single submitter. Criteria: ACMG Guidelines, 2015. Collection method: clinical testing. Allele origin: paternal. Inheritance: Autosomal dominant inheritance. Affected: yes.
Comment: PVS1_Strong, PM2_Supporting, PP4

Labcorp Genetics (formerly Invitae), Labcorp
Classification: Pathogenic for Febrile seizures, familial, 8; EPILEPSY, CHILDHOOD ABSENCE, SUSCEPTIBILITY TO, 2. Last evaluated: 2022-06-13. Review status: criteria provided, single submitter. Criteria: Invitae Variant Classification Sherloc (09022015). Collection method: clinical testing. Allele origin: germline.
Comment: For these reasons, this variant has been classified as Pathogenic. This variant disrupts a region of the GABRG2 protein in which other variant(s) (p.Trp429*) have been determined to be pathogenic (PMID: 18566737). This suggests that this is a clinically significant region of the protein, and that variants that disrupt it are likely to be disease-causing. ClinVar contains an entry for this variant (Variation ID: 451497). This variant has not been reported in the literature in individuals affected with GABRG2-related conditions. This variant is not present in population databases (gnomAD no frequency). This sequence change creates a premature translational stop signal (p.Gln398Argfs*4) in the GABRG2 gene. While this is not anticipated to result in nonsense mediated decay, it is expected to disrupt the last 70 amino acid(s) of the GABRG2 protein.

GeneDx
Classification: Likely pathogenic. Last evaluated: 2017-08-23. Review status: criteria provided, single submitter. Criteria: GeneDx Variant Classification (06012015). Collection method: clinical testing. Allele origin: germline. Affected: yes.
Comment: The c.1193_1194delAA variant in the GABRG2 gene has not been reported previously as a pathogenic variant nor as a benign variant, to our knowledge. The c.1193_1194delAA variant causes a frameshift starting with codon Glutamine 398, changes this amino acid to an Arginine residue, and creates a premature Stop codon at position 4 of the new reading frame, denoted p.Gln398ArgfsX4. This variant is predicted to cause loss of normal protein function through protein truncation as the last 70 amino acids of the protein are lost and replaced with 3 incorrect amino acids. The c.1193_1194delAA variant is not observed in large population cohorts (Lek et al., 2016; 1000 Genomes Consortium et al., 2015; Exome Variant Server). We interpret c.1193_1194delAA as a likely pathogenic variant.

Literature cited by the submitters: PubMed 18566737 (cited by Labcorp Genetics (formerly Invitae), Labcorp).